The following is an entry in ClinVar:

NM_001429.4(EP300):c.6659C>G (p.Pro2220Arg)

Gene: EP300 (EP300 lysine acetyltransferase; plus strand). Cytogenetic location: 22q13.2.
Variant type: single nucleotide variant.
Coding change: c.6659C>G on transcript NM_001429.4 (MANE Select); coding-DNA position 6659, C replaced by G.
Protein change: p.Pro2220Arg; replaces proline 2220 with arginine.
Molecular consequence: missense variant.
Genome position (GRCh38, 1-based): chr22:41,178,370, C>G. VCF-style: chr22-41178370-C-G. GRCh37 (hg19) VCF-style: chr22-41574374-C-G.
Other names: c.6581C>G, p.Pro2194Arg (NM_001362843.2); c.6659C>G (NM_001429.3); short protein forms P2194R, P2220R.
Identifiers: ClinVar variation 2043341 (VCV002043341.7), dbSNP rs555467754, ClinGen allele CA10253913.

ClinVar aggregate classification (germline): Benign/Likely benign. Review status: criteria provided, multiple submitters, no conflicts (2 of 4 stars). 3 submissions from 3 submitters: Benign (1); Likely benign (1). 1 of the submissions does not count toward it. Last evaluated 2025-10-27.

Conditions:
EP300-related disorder. Also called: EP300-related disorders; EP300-related condition.
Inborn genetic diseases. Identifiers: MedGen C0950123, MeSH D030342.
Rubinstein-Taybi syndrome due to EP300 haploinsufficiency. Also called: EP300-Related Rubinstein-Taybi Syndrome; RUBINSTEIN-TAYBI SYNDROME 2. Identifiers: Orphanet 353284, Orphanet 783, MedGen C3150941, MONDO:0013364, OMIM 613684.

Allele frequency attached by ClinVar (database versions not stated): ExAC 0.00006; gnomAD 0.00010; TOPMed 0.00012; 1000 Genomes Project 0.00040; 1000 Genomes Project 30x 0.00047.
gnomAD v4.1: 33 of 1,614,168 alleles (0.002%); highest among the groups gnomAD compares: African/African-American, 0.041%; no homozygotes.

Submissions (3):

Labcorp Genetics (formerly Invitae), Labcorp
Classification: Benign for Rubinstein-Taybi syndrome due to EP300 haploinsufficiency. Last evaluated: 2025-10-27. Review status: criteria provided, single submitter. Criteria: Invitae Variant Classification Sherloc (09022015). Collection method: clinical testing. Allele origin: germline.

Ambry Genetics
Classification: Likely benign for Inborn genetic diseases. Last evaluated: 2023-12-08. Review status: criteria provided, single submitter. Criteria: Ambry Variant Classification Scheme 2023. Collection method: clinical testing. Allele origin: germline.

PreventionGenetics, part of Exact Sciences
Classification: Likely benign for EP300-related condition. Last evaluated: 2023-10-06. Review status: no assertion criteria provided. Collection method: clinical testing. Allele origin: germline. Not counted in ClinVar's aggregate classification.
Comment: This variant is classified as likely benign based on ACMG/AMP sequence variant interpretation guidelines (Richards et al. 2015 PMID: 25741868, with internal and published modifications).